The following is an entry in ClinVar:

ClinVar aggregate classification (germline): Uncertain significance. Review status: criteria provided, multiple submitters, no conflicts (2 of 4 stars). 3 submissions from 3 submitters: Uncertain significance (3). Last evaluated 2025-05-30.

Conditions:
Familial cancer of breast. Also called: BREAST CANCER, FAMILIAL; Hereditary breast cancer; hereditary breast carcinoma. Identifiers: Orphanet 227535, MedGen C0346153, MONDO:0016419, OMIM 114480. Disease mechanism: loss of function.
Hereditary cancer-predisposing syndrome. Also called: Tumor predisposition; Hereditary Cancer Syndrome; Neoplastic Syndromes, Hereditary; Hereditary neoplastic syndrome. Identifiers: Orphanet 140162, MedGen C0027672, MeSH D009386, MONDO:0015356.

Submissions (3):

Labcorp Genetics (formerly Invitae), Labcorp
Classification: Uncertain significance for Familial cancer of breast. Last evaluated: 2025-05-30. Review status: criteria provided, single submitter. Criteria: Invitae Variant Classification Sherloc (09022015). Collection method: clinical testing. Allele origin: germline.
Comment: This sequence change replaces serine, which is neutral and polar, with isoleucine, which is neutral and non-polar, at codon 981 of the PALB2 protein (p.Ser981Ile). This variant is not present in population databases (gnomAD no frequency). This variant has not been reported in the literature in individuals affected with PALB2-related conditions. ClinVar contains an entry for this variant (Variation ID: 822336). Invitae Evidence Modeling of protein sequence and biophysical properties (such as structural, functional, and spatial information, amino acid conservation, physicochemical variation, residue mobility, and thermodynamic stability) indicates that this missense variant is expected to disrupt PALB2 protein function with a positive predictive value of 80%. In summary, the available evidence is currently insufficient to determine the role of this variant in disease. Therefore, it has been classified as a Variant of Uncertain Significance.

Baylor Genetics
Classification: Uncertain significance for Familial cancer of breast. Last evaluated: 2023-11-28. Review status: criteria provided, single submitter. Criteria: ACMG Guidelines, 2015. Collection method: clinical testing. Allele origin: unknown.

Ambry Genetics
Classification: Uncertain significance for Hereditary cancer-predisposing syndrome. Last evaluated: 2023-06-17. Review status: criteria provided, single submitter. Criteria: Ambry Variant Classification Scheme 2023. Collection method: clinical testing. Allele origin: germline.
Comment: The p.S981I variant (also known as c.2942G>T), located in coding exon 9 of the PALB2 gene, results from a G to T substitution at nucleotide position 2942. The serine at codon 981 is replaced by isoleucine, an amino acid with dissimilar properties. This amino acid position is not well conserved in available vertebrate species. In addition, this alteration is predicted to be tolerated by in silico analysis. Since supporting evidence is limited at this time, the clinical significance of this alteration remains unclear.

NM_024675.4(PALB2):c.2942G>T (p.Ser981Ile)

Gene: PALB2 (partner and localizer of BRCA2; minus strand). Cytogenetic location: 16p12.2.
Variant type: single nucleotide variant.
Coding change: c.2942G>T on transcript NM_024675.4 (MANE Select); coding-DNA position 2942, G replaced by T.
Protein change: p.Ser981Ile; replaces serine 981 with isoleucine.
Molecular consequence: missense variant.
Genome position (GRCh38, 1-based): chr16:23,623,023, C>A on the plus strand (G>T on the coding strand, the complement: PALB2 is on the minus strand). VCF-style: chr16-23623023-C-A. GRCh37 (hg19) VCF-style: chr16-23634344-C-A.
Other names: short protein forms S981I.
Identifiers: ClinVar variation 822336 (VCV000822336.7), dbSNP rs1597081224, ClinGen allele CA395144104.